The following is an entry in ClinVar:

NM_033109.5(PNPT1):c.1044T>A (p.Phe348Leu)

Gene: PNPT1 (polyribonucleotide nucleotidyltransferase 1; minus strand). Cytogenetic location: 2p16.1.
Variant type: single nucleotide variant.
Coding change: c.1044T>A on transcript NM_033109.5 (MANE Select); coding-DNA position 1044, T replaced by A.
Protein change: p.Phe348Leu; replaces phenylalanine 348 with leucine.
Molecular consequence: missense variant.
Genome position (GRCh38, 1-based): chr2:55,667,891, A>T on the plus strand (T>A on the coding strand, the complement: PNPT1 is on the minus strand). VCF-style: chr2-55667891-A-T. GRCh37 (hg19) VCF-style: chr2-55895026-A-T.
Other names: c.1044T>A (NM_033109.4); short protein forms F348L.
Identifiers: ClinVar variation 1394155 (VCV001394155.8), dbSNP rs1235843021, ClinGen allele CA346929076.

ClinVar aggregate classification (germline): Uncertain significance. Review status: criteria provided, multiple submitters, no conflicts (2 of 4 stars). 2 submissions from 2 submitters: Uncertain significance (2). Last evaluated 2024-10-14.

Allele frequency attached by ClinVar (database versions not stated): TOPMed 0.00001.
gnomAD v4.1: 6 of 1,588,324 alleles (0.00038%); highest among the groups gnomAD compares: Non-Finnish European, 0.00043%; no homozygotes.

Submissions (2):

GeneDx
Classification: Uncertain significance. Last evaluated: 2024-10-14. Review status: criteria provided, single submitter. Criteria: GeneDx Variant Classification Process June 2021. Collection method: clinical testing. Allele origin: germline. Affected: yes.
Comment: Not observed at significant frequency in large population cohorts (gnomAD); In silico analysis supports that this missense variant has a deleterious effect on protein structure/function; Has not been previously published as pathogenic or benign to our knowledge

Labcorp Genetics (formerly Invitae), Labcorp
Classification: Uncertain significance. Last evaluated: 2024-05-12. Review status: criteria provided, single submitter. Criteria: Invitae Variant Classification Sherloc (09022015). Collection method: clinical testing. Allele origin: germline.
Comment: This sequence change replaces phenylalanine, which is neutral and non-polar, with leucine, which is neutral and non-polar, at codon 348 of the PNPT1 protein (p.Phe348Leu). This variant is not present in population databases (gnomAD no frequency). This variant has not been reported in the literature in individuals affected with PNPT1-related conditions. ClinVar contains an entry for this variant (Variation ID: 1394155). Advanced modeling of protein sequence and biophysical properties (such as structural, functional, and spatial information, amino acid conservation, physicochemical variation, residue mobility, and thermodynamic stability) performed at Invitae indicates that this missense variant is not expected to disrupt PNPT1 protein function with a negative predictive value of 80%. In summary, the available evidence is currently insufficient to determine the role of this variant in disease. Therefore, it has been classified as a Variant of Uncertain Significance.